The following is an entry in ClinVar:

NM_000338.3(SLC12A1):c.1522_1532delinsCTTGTCAGCGCCT (p.Ala508fs)

Gene: SLC12A1 (solute carrier family 12 member 1; plus strand). Cytogenetic location: 15q21.1.
Variant type: Indel.
Coding change: c.1522_1532delinsCTTGTCAGCGCCT on transcript NM_000338.3 (MANE Select); coding-DNA positions 1522 to 1532, GCCCTGGCCTC replaced by CTTGTCAGCGCCT.
Protein change: p.Ala508fs; shifts the reading frame from alanine 508.
Molecular consequence: frameshift variant.
Genome position (GRCh38, 1-based): chr15:48,246,978-48,246,988, GCCCTGGCCTC replaced by CTTGTCAGCGCCT. VCF-style: chr15-48246978-GCCCTGGCCTC-CTTGTCAGCGCCT. GRCh37 (hg19) VCF-style: chr15-48539175-GCCCTGGCCTC-CTTGTCAGCGCCT.
Other names: c.1522_1532delinsCTTGTCAGCGCCT, p.Ala508fs (NM_001184832.2, NM_001384136.1); short protein forms A508fs.
Identifiers: ClinVar variation 4890677 (VCV004890677.1).

ClinVar aggregate classification (germline): Pathogenic (1 of 4 stars; one submission).

Conditions:
Bartter disease type 1. Also called: HYPERPROSTAGLANDIN E SYNDROME 1; Bartter Syndrome type 1; HYPOKALEMIC ALKALOSIS WITH HYPERCALCIURIA 1, ANTENATAL; Bartter syndrome, type 1, antenatal. Identifiers: Orphanet 112, Orphanet 620217, MedGen C1866495, MONDO:0100344, OMIM 601678, MONDO:0011127.

Submission:

Medical Genetics Center, Maternal and Child Health Hospital of Hubei Province
Classification: Pathogenic for Bartter disease type 1. Last evaluated: 2025-12-11. Review status: criteria provided, single submitter. Criteria: ACMG Guidelines, 2015. Collection method: clinical testing. Allele origin: maternal. Affected: yes.
Comment: PVS1+PM3+PM2_Supporting